The following is an entry in ClinVar:

ClinVar aggregate classification (germline): Uncertain significance (1 of 4 stars; one submission).

Conditions:
Epileptic encephalopathy. Identifiers: MedGen C0543888, HP:0200134.

Submission:

Labcorp Genetics (formerly Invitae), Labcorp
Classification: Uncertain significance for Epileptic encephalopathy. Last evaluated: 2023-10-03. Review status: criteria provided, single submitter. Criteria: Invitae Variant Classification Sherloc (09022015). Collection method: clinical testing. Allele origin: germline.
Comment: This sequence change replaces glutamic acid, which is acidic and polar, with aspartic acid, which is acidic and polar, at codon 318 of the FASN protein (p.Glu318Asp). This variant is not present in population databases (gnomAD no frequency). This variant has not been reported in the literature in individuals affected with FASN-related conditions. ClinVar contains an entry for this variant (Variation ID: 1722005). Algorithms developed to predict the effect of missense changes on protein structure and function output the following: SIFT: "Not Available"; PolyPhen-2: "Benign"; Align-GVGD: "Not Available". The aspartic acid amino acid residue is found in multiple mammalian species, which suggests that this missense change does not adversely affect protein function. In summary, the available evidence is currently insufficient to determine the role of this variant in disease. Therefore, it has been classified as a Variant of Uncertain Significance.

NM_004104.5(FASN):c.954G>C (p.Glu318Asp)

Gene: FASN (fatty acid synthase; minus strand). Cytogenetic location: 17q25.3.
Variant type: single nucleotide variant.
Coding change: c.954G>C on transcript NM_004104.5 (MANE Select); coding-DNA position 954, G replaced by C.
Protein change: p.Glu318Asp; replaces glutamic acid 318 with aspartic acid.
Molecular consequence: missense variant.
Genome position (GRCh38, 1-based): chr17:82,092,530, C>G on the plus strand (G>C on the coding strand, the complement: FASN is on the minus strand). VCF-style: chr17-82092530-C-G. GRCh37 (hg19) VCF-style: chr17-80050406-C-G.
Other names: short protein forms E318D.
Identifiers: ClinVar variation 1722005 (VCV001722005.6), dbSNP rs2509844624, ClinGen allele CA401561977.